The following is an entry in ClinVar:

ClinVar aggregate classification (germline): Uncertain significance (1 of 4 stars; one submission).

Conditions:
Proline dehydrogenase deficiency (HYRPRO1). Also called: PROLINE OXIDASE DEFICIENCY; Hyperprolinemia type 1. Identifiers: Orphanet 419, MedGen C0268529, MONDO:0009400, OMIM 239500.

Submission:

Labcorp Genetics (formerly Invitae), Labcorp
Classification: Uncertain significance for Proline dehydrogenase deficiency. Last evaluated: 2026-01-21. Review status: criteria provided, single submitter. Criteria: Invitae Variant Classification Sherloc (09022015). Collection method: clinical testing. Allele origin: germline.
Comment: This sequence change replaces isoleucine, which is neutral and non-polar, with methionine, which is neutral and non-polar, at codon 219 of the PRODH protein (p.Ile219Met). This variant is present in population databases (rs773191443, gnomAD 0.002%). This variant has not been reported in the literature in individuals affected with PRODH-related conditions. Invitae Evidence Modeling of protein sequence and biophysical properties (such as structural, functional, and spatial information, amino acid conservation, physicochemical variation, residue mobility, and thermodynamic stability) has been performed for this missense variant. However, the output from this modeling did not meet the statistical confidence thresholds required to predict the impact of this variant on PRODH protein function. In summary, the available evidence is currently insufficient to determine the role of this variant in disease. Therefore, it has been classified as a Variant of Uncertain Significance.

NM_016335.6(PRODH):c.657C>G (p.Ile219Met)

Gene: PRODH (proline dehydrogenase 1; minus strand). Cytogenetic location: 22q11.21.
Variant type: single nucleotide variant.
Coding change: c.657C>G on transcript NM_016335.6 (MANE Select); coding-DNA position 657, C replaced by G.
Protein change: p.Ile219Met; replaces isoleucine 219 with methionine.
Molecular consequence: missense variant.
Genome position (GRCh38, 1-based): chr22:18,925,061, G>C on the plus strand (C>G on the coding strand, the complement: PRODH is on the minus strand). VCF-style: chr22-18925061-G-C. GRCh37 (hg19) VCF-style: chr22-18912574-G-C.
Other names: c.333C>G, p.Ile111Met (NM_001195226.2, NM_001368250.2); short protein forms I111M, I219M.
Identifiers: ClinVar variation 4737529 (VCV004737529.1).
Genomic context (GRCh38, chr22:18,925,061, plus strand): 5'-GCTCAGGCTGGGACATGGCAGGGGTATAGCCAGCAAAGAGGGGGCCCCACCTGAGGCTTC[G>C]ATGCAGCGCAAGAATGTCTCCATGTGGCTGTCGCACTTGGCCTCATTGGCGTAGAAGTAG-3'
Protein context (NP_057419.5, residues 209-229): DSHMETFLRC[Ile219Met]EASGRVSDDG